The following is an entry in ClinVar:

ClinVar aggregate classification (germline): Benign (0 of 4 stars; one submission).

Conditions:
TSPAN18-related disorder. Also called: TSPAN18-related condition.

Allele frequency attached by ClinVar (database versions not stated): ExAC 0.14266; 1000 Genomes Project 30x 0.15553; 1000 Genomes Project 0.15615; TOPMed 0.15636; gnomAD 0.15826; ESP Exome Variant Server 0.16295.
gnomAD v4.1: 214,192 of 1,607,982 alleles (13%); highest among the groups gnomAD compares: African/African-American, 22%; 15,362 homozygotes.

Submission:

PreventionGenetics, part of Exact Sciences
Classification: Benign for TSPAN18-related condition. Last evaluated: 2019-11-19. Review status: no assertion criteria provided. Collection method: clinical testing. Allele origin: germline.
Comment: This variant is classified as benign based on ACMG/AMP sequence variant interpretation guidelines (Richards et al. 2015 PMID: 25741868, with internal and published modifications).

NM_130783.5(TSPAN18):c.432+10G>A

Gene: TSPAN18 (tetraspanin 18; plus strand). Cytogenetic location: 11p11.2.
Variant type: single nucleotide variant.
Coding change: c.432+10G>A on transcript NM_130783.5 (MANE Select); 10 bases into the intron after coding-DNA position 432, G replaced by A.
Molecular consequence: intron variant.
Genome position (GRCh38, 1-based): chr11:44,919,322, G>A. VCF-style: chr11-44919322-G-A. GRCh37 (hg19) VCF-style: chr11-44940873-G-A.
Identifiers: ClinVar variation 3057047 (VCV003057047.2), dbSNP rs11038214, ClinGen allele CA5956464.